The following is an entry in ClinVar:

ClinVar aggregate classification (germline): Uncertain significance (1 of 4 stars; one submission).

Conditions:
Brugada syndrome. Also called: Sudden unexplained nocturnal death syndrome; Sudden unexpected nocturnal death syndrome; Sudden Unexplained Death Syndrome; Sudden Unexplained Nocturnal Death Syndrome (SUNDS). Identifiers: Orphanet 130, MedGen C1142166, MONDO:0015263.

Submission:

Labcorp Genetics (formerly Invitae), Labcorp
Classification: Uncertain significance for Brugada syndrome. Last evaluated: 2026-01-04. Review status: criteria provided, single submitter. Criteria: Invitae Variant Classification Sherloc (09022015). Collection method: clinical testing. Allele origin: germline.
Comment: This sequence change replaces isoleucine, which is neutral and non-polar, with serine, which is neutral and polar, at codon 1853 of the SCN10A protein (p.Ile1853Ser). This variant is not present in population databases (gnomAD no frequency). This variant has not been reported in the literature in individuals affected with SCN10A-related conditions. Invitae Evidence Modeling of protein sequence and biophysical properties (such as structural, functional, and spatial information, amino acid conservation, physicochemical variation, residue mobility, and thermodynamic stability) indicates that this missense variant is not expected to disrupt SCN10A protein function with a negative predictive value of 80%. In summary, the available evidence is currently insufficient to determine the role of this variant in disease. Therefore, it has been classified as a Variant of Uncertain Significance.

NM_006514.4(SCN10A):c.5558T>G (p.Ile1853Ser)

Gene: SCN10A (sodium voltage-gated channel alpha subunit 10; minus strand). Cytogenetic location: 3p22.2.
Variant type: single nucleotide variant.
Coding change: c.5558T>G on transcript NM_006514.4 (MANE Select); coding-DNA position 5558, T replaced by G.
Protein change: p.Ile1853Ser; replaces isoleucine 1853 with serine.
Molecular consequence: missense variant.
Genome position (GRCh38, 1-based): chr3:38,697,662, A>C on the plus strand (T>G on the coding strand, the complement: SCN10A is on the minus strand). VCF-style: chr3-38697662-A-C. GRCh37 (hg19) VCF-style: chr3-38739153-A-C.
Other names: c.5555T>G, p.Ile1852Ser (NM_001293306.2); c.5264T>G, p.Ile1755Ser (NM_001293307.2); short protein forms I1852S, I1853S, I1755S.
Identifiers: ClinVar variation 4740332 (VCV004740332.1).